The following is an entry in ClinVar:

NM_032383.5(HPS3):c.249_252del (p.Asn83fs)

Gene: HPS3 (HPS3 biogenesis of lysosomal organelles complex 2 subunit 1; plus strand). Cytogenetic location: 3q24.
Variant type: Deletion.
Coding change: c.249_252del on transcript NM_032383.5 (MANE Select); coding-DNA positions 249 to 252, 4 bases deleted (CAAA; older notation c.249_252delCAAA).
Protein change: p.Asn83fs; shifts the reading frame from asparagine 83.
Molecular consequence: frameshift variant. On other transcripts: intron variant (1).
Genome position (GRCh38, 1-based): chr3:149,140,035-149,140,038, CAAA deleted; deleting any 4 consecutive bases within chr3:149,140,032-149,140,038 gives the same sequence; the c. name uses the placement nearest the transcript's 3' end. VCF-style (leftmost placement, unchanged base first): chr3-149140031-AAAAC-A. GRCh37 (hg19) VCF-style: chr3-148857818-AAAAC-A.
Other names: c.218-982_218-979del (NM_001308258.2); short protein forms N83fs.
Identifiers: ClinVar variation 1452657 (VCV001452657.7), dbSNP rs770108122, ClinGen allele CA2659764.

ClinVar aggregate classification (germline): Pathogenic/Likely pathogenic. Review status: criteria provided, multiple submitters, no conflicts (2 of 4 stars). 2 submissions from 2 submitters: Pathogenic (1); Likely pathogenic (1). Last evaluated 2022-09-27.

Conditions:
Hermansky-Pudlak syndrome 3 (HPS3). Identifiers: Orphanet 231512, Orphanet 79430, MedGen C3888001, MONDO:0013555, OMIM 614072.

Submissions (2):

Baylor Genetics
Classification: Likely pathogenic for Hermansky-Pudlak syndrome 3. Last evaluated: 2022-09-27. Review status: criteria provided, single submitter. Criteria: ACMG Guidelines, 2015. Collection method: clinical testing. Allele origin: unknown.

Labcorp Genetics (formerly Invitae), Labcorp
Classification: Pathogenic. Last evaluated: 2021-12-08. Review status: criteria provided, single submitter. Criteria: Invitae Variant Classification Sherloc (09022015). Collection method: clinical testing. Allele origin: germline.
Comment: This sequence change creates a premature translational stop signal (p.Asn83Lysfs*9) in the HPS3 gene. It is expected to result in an absent or disrupted protein product. Loss-of-function variants in HPS3 are known to be pathogenic (PMID: 11590544). This variant is present in population databases (rs770108122, gnomAD 0.004%). This variant has not been reported in the literature in individuals affected with HPS3-related conditions. For these reasons, this variant has been classified as Pathogenic.

Literature cited by the submitters: PubMed 11590544 (cited by Labcorp Genetics (formerly Invitae), Labcorp).